The following is an entry in ClinVar:

NM_000426.4(LAMA2):c.3244dup (p.His1082fs)

Gene: LAMA2 (laminin subunit alpha 2; plus strand). Cytogenetic location: 6q22.33.
Variant type: Duplication.
Coding change: c.3244dup on transcript NM_000426.4 (MANE Select); coding-DNA position 3244, one base duplicated (C; older notation c.3244dupC).
Protein change: p.His1082fs; shifts the reading frame from histidine 1082.
Molecular consequence: frameshift variant.
Genome position (GRCh38, 1-based): chr6:129,312,930, C duplicated. VCF-style (leftmost placement, unchanged base first): chr6-129312929-T-TC. GRCh37 (hg19) VCF-style: chr6-129634074-T-TC.
Other names: c.3244dup, p.His1082fs (NM_001079823.2); short protein forms H1082fs.
Identifiers: ClinVar variation 5011265 (VCV005011265.1).
Genomic context (GRCh38, chr6:129,312,929, plus strand): 5'-CTGCAGCACAGTGGGATCCTTGGATTTCCAATGCAATGTAAATACAGGCCAATGCAACTG[T>TC]CATCCAAAATTCTCTGGTGCAAAATGTACAGAGTGCAGTCGAGGTCACTGGAACTACCCT-3'

ClinVar aggregate classification (germline): Pathogenic (1 of 4 stars; one submission).

Conditions:
LAMA2-related muscular dystrophy (LAMA2-RD). Also called: Laminin alpha 2-related dystrophy. Identifiers: MedGen C5679788, MONDO:0100228.

Submission:

Myriad Genetics, Inc.
Classification: Pathogenic for LAMA2-related muscular dystrophy. Last evaluated: 2023-08-08. Review status: criteria provided, single submitter. Criteria: Myriad Autosomal Dominant, Autosomal Recessive and X-Linked Classification Criteria (2023). Collection method: clinical testing. Allele origin: unknown.
Comment: NM_000426.3(LAMA2):c.3244dupC(H1082Pfs*26) is expected to be pathogenic in the context of muscular dystrophy, LAMA2-related. This variant is predicted to lead to an abnormal or absent protein product due to the creation of a premature termination codon in LAMA2, a gene where loss-of-function variants are known to be pathogenic. Please note: this variant was assessed in the context of healthy population screening.